The following is an entry in ClinVar:

ClinVar aggregate classification (germline): Uncertain significance (1 of 4 stars; one submission).

Conditions:
MELAS syndrome (MELAS). Also called: Juvenile myopathy, encephalopathy, lactic acidosis, stroke. Identifiers: Orphanet 550, MedGen C0162671, MONDO:0010789, OMIM 540000.

Submission:

Wong Mito Lab, Molecular and Human Genetics, Baylor College of Medicine
Classification: Uncertain significance for MELAS syndrome. Last evaluated: 2019-07-12. Review status: criteria provided, single submitter. Criteria: Modified ACMG Guidelines (Unpublished). Collection method: clinical testing. Allele origin: germline.
Comment: The NC_012920.1:m.12205C>T variant in MT-TH gene is interpreted to be a Unknown Significance variant based on the modified ACMG guidelines (unpublished). This variant meets the following evidence codes reported in the guidelines: PM7, PP7

Literature cited by the submitters: PubMed 31965079.

NC_012920.1(MT-TH):m.12205C>T

Gene: MT-TH (mitochondrially encoded tRNA histidine; plus strand).
Variant type: single nucleotide variant.
Genome position: chrM-12205-C-T.
Identifiers: ClinVar variation 690157 (VCV000690157.1), dbSNP rs1603223615, ClinGen allele CA913169703.